The following is an entry in ClinVar:

ClinVar aggregate classification (germline): Uncertain significance (1 of 4 stars; one submission).

Conditions:
Combined immunodeficiency due to LRBA deficiency. Also called: Common variable immunodeficiency 8, with autoimmunity. Identifiers: Orphanet 445018, MedGen C3553512, MONDO:0013863, OMIM 614700.

Allele frequency attached by ClinVar (database versions not stated): gnomAD exomes 0.00001; TOPMed 0.00001; ExAC 0.00003.
gnomAD v4.1: 8 of 1,613,656 alleles (0.0005%); highest among the groups gnomAD compares: Admixed American, 0.01%; no homozygotes.

Submission:

Labcorp Genetics (formerly Invitae), Labcorp
Classification: Uncertain significance for Combined immunodeficiency due to LRBA deficiency. Last evaluated: 2022-07-27. Review status: criteria provided, single submitter. Criteria: Invitae Variant Classification Sherloc (09022015). Collection method: clinical testing. Allele origin: germline.
Comment: This sequence change replaces aspartic acid, which is acidic and polar, with glycine, which is neutral and non-polar, at codon 1910 of the LRBA protein (p.Asp1910Gly). This variant is present in population databases (rs756973832, gnomAD 0.01%). This variant has not been reported in the literature in individuals affected with LRBA-related conditions. Algorithms developed to predict the effect of missense changes on protein structure and function are either unavailable or do not agree on the potential impact of this missense change (SIFT: "Tolerated"; PolyPhen-2: "Probably Damaging"; Align-GVGD: "Class C0"). In summary, the available evidence is currently insufficient to determine the role of this variant in disease. Therefore, it has been classified as a Variant of Uncertain Significance.

NM_001364905.1(LRBA):c.5729A>G (p.Asp1910Gly)

Gene: LRBA (LPS responsive beige-like anchor protein; minus strand). Cytogenetic location: 4q31.3.
Variant type: single nucleotide variant.
Coding change: c.5729A>G on transcript NM_001364905.1 (MANE Select); coding-DNA position 5729, A replaced by G.
Protein change: p.Asp1910Gly; replaces aspartic acid 1910 with glycine.
Molecular consequence: missense variant.
Genome position (GRCh38, 1-based): chr4:150,735,283, T>C on the plus strand (A>G on the coding strand, the complement: LRBA is on the minus strand). VCF-style: chr4-150735283-T-C. GRCh37 (hg19) VCF-style: chr4-151656435-T-C.
Other names: c.5729A>G, p.Asp1910Gly (NM_001199282.3, NM_001367550.1, NM_006726.5); short protein forms D1910G.
Identifiers: ClinVar variation 1970170 (VCV001970170.2), dbSNP rs756973832, ClinGen allele CA3102386.